The following is an entry in ClinVar:

NM_000075.4(CDK4):c.606T>C (p.Cys202=)

Gene: CDK4 (cyclin dependent kinase 4; minus strand). Cytogenetic location: 12q14.1.
Variant type: single nucleotide variant.
Coding change: c.606T>C on transcript NM_000075.4 (MANE Select); coding-DNA position 606, T replaced by C.
Protein change: p.Cys202=; no amino-acid change (cysteine 202 retained).
Molecular consequence: synonymous variant.
Genome position (GRCh38, 1-based): chr12:57,750,682, A>G on the plus strand (T>C on the coding strand, the complement: CDK4 is on the minus strand). VCF-style: chr12-57750682-A-G. GRCh37 (hg19) VCF-style: chr12-58144465-A-G.
Identifiers: ClinVar variation 1751391 (VCV001751391.3), dbSNP rs2140385655, ClinGen allele CA480301045.

ClinVar aggregate classification (germline): Benign/Likely benign. Review status: criteria provided, multiple submitters, no conflicts (2 of 4 stars). 2 submissions from 2 submitters: Benign (1); Likely benign (1). Last evaluated 2024-09-26.

Conditions:
Hereditary cancer-predisposing syndrome. Also called: Hereditary Cancer Syndrome; Hereditary neoplastic syndrome; Neoplastic Syndromes, Hereditary; Tumor predisposition. Identifiers: Orphanet 140162, MedGen C0027672, MeSH D009386, MONDO:0015356.
Melanoma, cutaneous malignant, susceptibility to, 3. Also called: Cutaneous malignant melanoma 3. Identifiers: Orphanet 618, MedGen C1836892, MONDO:0012183, OMIM 609048.

Submissions (2):

Myriad Genetics, Inc.
Classification: Benign for Melanoma, cutaneous malignant, susceptibility to, 3. Last evaluated: 2024-09-26. Review status: criteria provided, single submitter. Criteria: Myriad Autosomal Dominant, Autosomal Recessive and X-Linked Classification Criteria (2023). Collection method: clinical testing. Allele origin: unknown.
Comment: This variant is considered benign. This variant is a silent/synonymous amino acid change and it is not expected to impact splicing.

Ambry Genetics
Classification: Likely benign for Hereditary cancer-predisposing syndrome. Last evaluated: 2021-12-20. Review status: criteria provided, single submitter. Criteria: Ambry Variant Classification Scheme 2023. Collection method: clinical testing. Allele origin: germline.